The following is an entry in ClinVar:

ClinVar aggregate classification (germline): Uncertain significance (1 of 4 stars; one submission).

Submission:

GeneDx
Classification: Uncertain significance. Last evaluated: 2016-01-12. Review status: criteria provided, single submitter. Criteria: GeneDx Variant Classification (06012015). Collection method: clinical testing. Allele origin: germline. Affected: yes.
Comment: The c.1402_1403delGCinsTT variant has been previously reported as a variant of uncertain significance in 3 individuals with CMT (Antoniadi et al., 2015). It was not observed in approximately 6,500 individuals of European and African American ancestry in the NHLBI Exome Sequencing Project, indicating it is not a common benign variant in these populations. The c.1402_1403delGCinsTT results in an in-frame deletion of a single Alanine residue and the insertion of a single Phenylalanine residue, denoted p.A468F. The A468F variant is a semi-conservative amino acid substitution, which may impact secondary protein structure as these residues differ in some properties. This substitution occurs at a position that is not conserved. In silico analysis is inconsistent in its predictions as to whether or not the variant is damaging to the protein structure/function. Therefore, based on the currently available information, it is unclear whether this variant is a pathogenic mutation or a rare benign variant.

NM_024577.4(SH3TC2):c.1402_1403del (p.Ala468fs)

Gene: SH3TC2 (SH3 domain and tetratricopeptide repeats 2; minus strand). Cytogenetic location: 5q32.
Variant type: Deletion.
Coding change: c.1402_1403del on transcript NM_024577.4 (MANE Select); coding-DNA positions 1402 to 1403, 2 bases deleted (GC; older notation c.1402_1403delGC).
Protein change: p.Ala468fs; shifts the reading frame from alanine 468.
Molecular consequence: frameshift variant.
Genome position (GRCh38, 1-based): chr5:149,028,329-149,028,330, GC deleted on the plus strand (GC on the coding strand, the reverse complement: SH3TC2 is on the minus strand); deleting any 2 consecutive bases within chr5:149,028,329-149,028,331 gives the same sequence; the c. name uses the placement nearest the transcript's 3' end. VCF-style (leftmost placement, unchanged base first): chr5-149028328-GGC-G. GRCh37 (hg19) VCF-style: chr5-148407891-GGC-G.
Other names: c.1402_1403delGC (NM_024577.3); short protein forms A468fs.
Identifiers: ClinVar variation 234534 (VCV000234534.1), dbSNP rs876661068, ClinGen allele CA10577328.